The following is an entry in ClinVar:

ClinVar aggregate classification (germline): Uncertain significance. Review status: criteria provided, multiple submitters, no conflicts (2 of 4 stars). 3 submissions from 3 submitters: Uncertain significance (2). 1 of the submissions does not count toward it. Last evaluated 2023-02-17.

Conditions:
Inborn genetic diseases. Identifiers: MedGen C0950123, MeSH D030342.
CEP290-related disorder. Also called: CEP290-related condition; CEP290-related disorders. Identifiers: MedGen CN239314.

Allele frequency attached by ClinVar (database versions not stated): gnomAD exomes below 0.00001.
gnomAD v4.1: 4 of 1,568,524 alleles (0.00026%); highest among the groups gnomAD compares: Admixed American, 0.0074%; no homozygotes.

Submissions (3):

Women's Health and Genetics/Laboratory Corporation of America, LabCorp
Classification: Uncertain significance. Last evaluated: 2023-02-17. Review status: criteria provided, single submitter. Criteria: LabCorp Variant Classification Summary - May 2015. Collection method: clinical testing. Allele origin: germline.
Comment: Variant summary: CEP290 c.5226+6T>G alters a conserved nucleotide located close to a canonical splice site and therefore could affect mRNA splicing, leading to a significantly altered protein sequence. The variant was absent in 218152 control chromosomes. The available data on variant occurrences in the general population are insufficient to allow any conclusion about variant significance. To our knowledge, no occurrence of c.5226+6T>G in individuals affected with Meckel Syndrome Type 4 and no experimental evidence demonstrating its impact on protein function have been reported. No submitters have provided clinical-significance assessments for this variant to ClinVar after 2014. Based on the evidence outlined above, the variant was classified as uncertain significance.

Ambry Genetics
Classification: Uncertain significance for Inborn genetic diseases. Last evaluated: 2021-10-01. Review status: criteria provided, single submitter. Criteria: Ambry Variant Classification Scheme 2023. Collection method: clinical testing. Allele origin: germline.
Comment: The c.5226+6T>G intronic alteration consists of a T to G substitution nucleotides after coding exon 37 in the CEP290 gene. Based on insufficient or conflicting evidence, the clinical significance of this alteration remains unclear.

PreventionGenetics, part of Exact Sciences
Classification: Likely benign for CEP290-related condition. Last evaluated: 2023-06-16. Review status: no assertion criteria provided. Collection method: clinical testing. Allele origin: germline. Not counted in ClinVar's aggregate classification.
Comment: This variant is classified as likely benign based on ACMG/AMP sequence variant interpretation guidelines (Richards et al. 2015 PMID: 25741868, with internal and published modifications).

NM_025114.4(CEP290):c.5226+6T>G

Gene: CEP290 (centrosomal protein 290; minus strand). Cytogenetic location: 12q21.32.
Variant type: single nucleotide variant.
Coding change: c.5226+6T>G on transcript NM_025114.4 (MANE Select); 6 bases into the intron after coding-DNA position 5226, T replaced by G.
Molecular consequence: intron variant.
Genome position (GRCh38, 1-based): chr12:88,080,176, A>C on the plus strand (T>G on the coding strand, the complement: CEP290 is on the minus strand). VCF-style: chr12-88080176-A-C. GRCh37 (hg19) VCF-style: chr12-88473953-A-C.
Identifiers: ClinVar variation 2245259 (VCV002245259.5), dbSNP rs772322005, ClinGen allele CA2052902103.